The following is an entry in ClinVar:

ClinVar aggregate classification (germline): Uncertain significance (1 of 4 stars; one submission).

Conditions:
Combined immunodeficiency due to LRBA deficiency. Also called: Common variable immunodeficiency 8, with autoimmunity. Identifiers: Orphanet 445018, MedGen C3553512, MONDO:0013863, OMIM 614700.

Allele frequency attached by ClinVar (database versions not stated): ExAC 0.00002.

Submission:

Labcorp Genetics (formerly Invitae), Labcorp
Classification: Uncertain significance for Combined immunodeficiency due to LRBA deficiency. Last evaluated: 2022-10-24. Review status: criteria provided, single submitter. Criteria: Invitae Variant Classification Sherloc (09022015). Collection method: clinical testing. Allele origin: germline.
Comment: In summary, the available evidence is currently insufficient to determine the role of this variant in disease. Therefore, it has been classified as a Variant of Uncertain Significance. Advanced modeling of protein sequence and biophysical properties (such as structural, functional, and spatial information, amino acid conservation, physicochemical variation, residue mobility, and thermodynamic stability) performed at Invitae indicates that this missense variant is not expected to disrupt LRBA protein function. ClinVar contains an entry for this variant (Variation ID: 1522692). This variant has not been reported in the literature in individuals affected with LRBA-related conditions. The frequency data for this variant in the population databases is considered unreliable, as metrics indicate poor data quality at this position in the gnomAD database. This sequence change replaces alanine, which is neutral and non-polar, with threonine, which is neutral and polar, at codon 2691 of the LRBA protein (p.Ala2691Thr).

NM_001364905.1(LRBA):c.8038G>A (p.Ala2680Thr)

Gene: LRBA (LPS responsive beige-like anchor protein; minus strand). Cytogenetic location: 4q31.3.
Variant type: single nucleotide variant.
Coding change: c.8038G>A on transcript NM_001364905.1 (MANE Select); coding-DNA position 8038, G replaced by A.
Protein change: p.Ala2680Thr; replaces alanine 2680 with threonine.
Molecular consequence: missense variant.
Genome position (GRCh38, 1-based): chr4:150,286,014, C>T on the plus strand (G>A on the coding strand, the complement: LRBA is on the minus strand). VCF-style: chr4-150286014-C-T. GRCh37 (hg19) VCF-style: chr4-151207166-C-T.
Other names: c.8035G>A, p.Ala2679Thr (NM_001199282.3); c.8053G>A, p.Ala2685Thr (NM_001367550.1); c.8071G>A, p.Ala2691Thr (NM_006726.5); short protein forms A2680T, A2685T, A2691T, A2679T.
Identifiers: ClinVar variation 1522692 (VCV001522692.6), dbSNP rs769365001, ClinGen allele CA3101456.